The following is an entry in ClinVar:

NM_020937.4(FANCM):c.136G>T (p.Ala46Ser)

Gene: FANCM (FA complementation group M; plus strand). Cytogenetic location: 14q21.2.
Variant type: single nucleotide variant.
Coding change: c.136G>T on transcript NM_020937.4 (MANE Select); coding-DNA position 136, G replaced by T.
Protein change: p.Ala46Ser; replaces alanine 46 with serine.
Molecular consequence: missense variant.
Genome position (GRCh38, 1-based): chr14:45,136,167, G>T. VCF-style: chr14-45136167-G-T. GRCh37 (hg19) VCF-style: chr14-45605370-G-T.
Other names: c.136G>T, p.Ala46Ser (NM_001308133.2, NM_001308134.2); short protein forms A46S.
Identifiers: ClinVar variation 2580721 (VCV002580721.2), dbSNP rs2139100484, ClinGen allele CA389587103.

ClinVar aggregate classification (germline): Uncertain significance. Review status: criteria provided, multiple submitters, no conflicts (2 of 4 stars). 2 submissions from 2 submitters: Uncertain significance (2). Last evaluated 2025-12-03.

Conditions:
Inborn genetic diseases. Identifiers: MedGen C0950123, MeSH D030342.

gnomAD v4.1: 1 of 1,614,208 alleles (0.000062%); highest among the groups gnomAD compares: Non-Finnish European, 0.000085%; no homozygotes.

Submissions (2):

Ambry Genetics
Classification: Uncertain significance for Inborn genetic diseases. Last evaluated: 2025-12-03. Review status: criteria provided, single submitter. Criteria: Ambry Variant Classification Scheme 2023. Collection method: clinical testing. Allele origin: germline.
Comment: The p.A46S variant (also known as c.136G>T), located in coding exon 1 of the FANCM gene, results from a G to T substitution at nucleotide position 136. The alanine at codon 46 is replaced by serine, an amino acid with similar properties. This amino acid position is conserved. In addition, this alteration is predicted to be tolerated by in silico analysis. Based on the available evidence, the clinical significance of this variant remains unclear.

GeneDx
Classification: Uncertain significance. Last evaluated: 2023-03-24. Review status: criteria provided, single submitter. Criteria: GeneDx Variant Classification Process June 2021. Collection method: clinical testing. Allele origin: germline. Affected: yes.
Comment: Not observed at significant frequency in large population cohorts (gnomAD); In silico analysis supports that this missense variant does not alter protein structure/function; Has not been previously published as pathogenic or benign to our knowledge